The following is an entry in ClinVar:

ClinVar aggregate classification (germline): Conflicting classifications of pathogenicity. Review status: criteria provided, conflicting classifications (1 of 4 stars). 2 submissions from 2 submitters: Likely pathogenic (1); Uncertain significance (1). Last evaluated 2024-03-09.

Conditions:
Neurofibromatosis, type 1 (NF1). Also called: VON RECKLINGHAUSEN DISEASE; NEUROFIBROMATOSIS, TYPE I, SOMATIC; Peripheral type neurofibromatosis; Neurofibromatosis, type I. Identifiers: Orphanet 636, MedGen C0027831, MONDO:0018975, OMIM 162200. Disease mechanism: loss of function.

Submissions (2):

GeneDx
Classification: Likely pathogenic. Last evaluated: 2024-03-09. Review status: criteria provided, single submitter. Criteria: GeneDx Variant Classification Process June 2021. Collection method: clinical testing. Allele origin: germline.
Comment: Reported as a germline variant of uncertain significance in a healthy control individual in a case-control study of Japanese patients with breast cancer (PMID: 30287823); Not observed at significant frequency in large population cohorts (gnomAD); In silico analysis supports that this missense variant has a deleterious effect on protein structure/function; This variant is associated with the following publications: (PMID: 30287823, 25486365, 2121369, 22807134)

Labcorp Genetics (formerly Invitae), Labcorp
Classification: Uncertain significance for Neurofibromatosis, type 1. Last evaluated: 2023-12-30. Review status: criteria provided, single submitter. Criteria: Invitae Variant Classification Sherloc (09022015). Collection method: clinical testing. Allele origin: germline.
Comment: This sequence change replaces alanine, which is neutral and non-polar, with threonine, which is neutral and polar, at codon 1155 of the NF1 protein (p.Ala1155Thr). This variant is not present in population databases (gnomAD no frequency). This missense change has been observed in individual(s) with breast cancer (PMID: 30287823). ClinVar contains an entry for this variant (Variation ID: 1810461). Advanced modeling of protein sequence and biophysical properties (such as structural, functional, and spatial information, amino acid conservation, physicochemical variation, residue mobility, and thermodynamic stability) performed at Invitae indicates that this missense variant is expected to disrupt NF1 protein function with a positive predictive value of 95%. In summary, the available evidence is currently insufficient to determine the role of this variant in disease. Therefore, it has been classified as a Variant of Uncertain Significance.

Literature cited by the submitters: PubMed 30287823 (cited by Labcorp Genetics (formerly Invitae), Labcorp).

NM_001042492.3(NF1):c.3463G>A (p.Ala1155Thr)

Gene: NF1 (neurofibromin 1; plus strand). Cytogenetic location: 17q11.2.
Variant type: single nucleotide variant.
Coding change: c.3463G>A on transcript NM_001042492.3 (MANE Select); coding-DNA position 3463, G replaced by A.
Protein change: p.Ala1155Thr; replaces alanine 1155 with threonine.
Molecular consequence: missense variant.
Genome position (GRCh38, 1-based): chr17:31,232,848, G>A. VCF-style: chr17-31232848-G-A. GRCh37 (hg19) VCF-style: chr17-29559866-G-A.
Other names: c.3463G>A, p.Ala1155Thr (NM_000267.4); short protein forms A1155T.
Identifiers: ClinVar variation 1810461 (VCV001810461.5), dbSNP rs2067138021, ClinGen allele CA398989366.